The following is an entry in ClinVar:

ClinVar aggregate classification (germline): Uncertain significance (1 of 4 stars; one submission).

Allele frequency attached by ClinVar (database versions not stated): TOPMed 0.00004; ESP Exome Variant Server 0.00008.
gnomAD v4.1: 40 of 1,614,060 alleles (0.0025%); highest among the groups gnomAD compares: Non-Finnish European, 0.0032%; no homozygotes.

Submission:

Labcorp Genetics (formerly Invitae), Labcorp
Classification: Uncertain significance. Last evaluated: 2022-05-15. Review status: criteria provided, single submitter. Criteria: Invitae Variant Classification Sherloc (09022015). Collection method: clinical testing. Allele origin: germline.
Comment: In summary, the available evidence is currently insufficient to determine the role of this variant in disease. Therefore, it has been classified as a Variant of Uncertain Significance. Algorithms developed to predict the effect of missense changes on protein structure and function (SIFT, PolyPhen-2, Align-GVGD) all suggest that this variant is likely to be tolerated. This variant has not been reported in the literature in individuals affected with DNAJC12-related conditions. This variant is present in population databases (rs377051523, gnomAD 0.005%). This sequence change replaces aspartic acid, which is acidic and polar, with glutamic acid, which is acidic and polar, at codon 95 of the DNAJC12 protein (p.Asp95Glu).

NM_021800.3(DNAJC12):c.285C>A (p.Asp95Glu)

Gene: DNAJC12 (DnaJ heat shock protein family (Hsp40) member C12; minus strand). Cytogenetic location: 10q21.3.
Variant type: single nucleotide variant.
Coding change: c.285C>A on transcript NM_021800.3 (MANE Select); coding-DNA position 285, C replaced by A.
Protein change: p.Asp95Glu; replaces aspartic acid 95 with glutamic acid.
Molecular consequence: missense variant.
Genome position (GRCh38, 1-based): chr10:67,811,536, G>T on the plus strand (C>A on the coding strand, the complement: DNAJC12 is on the minus strand). VCF-style: chr10-67811536-G-T. GRCh37 (hg19) VCF-style: chr10-69571294-G-T.
Other names: c.285C>A, p.Asp95Glu (NM_201262.2); short protein forms D95E.
Identifiers: ClinVar variation 2416298 (VCV002416298.6), dbSNP rs377051523, ClinGen allele CA5520856.